The following is an entry in ClinVar:

NM_000059.4(BRCA2):c.1A>G (p.Met1Val)

Gene: BRCA2 (BRCA2 DNA repair associated; plus strand). Cytogenetic location: 13q13.1.
Variant type: single nucleotide variant.
Coding change: c.1A>G on transcript NM_000059.4 (MANE Select); coding-DNA position 1, A replaced by G.
Protein change: p.Met1Val; changes the start codon (methionine 1).
Molecular consequence: missense variant, initiator codon variant.
Genome position (GRCh38, 1-based): chr13:32,316,461, A>G. VCF-style: chr13-32316461-A-G. GRCh37 (hg19) VCF-style: chr13-32890598-A-G.
Other names: short protein forms M1V.
Identifiers: ClinVar variation 216026 (VCV000216026.12), dbSNP rs863224464, ClinGen allele CA335967.
Genomic context (GRCh38, chr13:32,316,461, plus strand): 5'-TTTTGGTCTTCTGTTTTGCAGACTTATTTACCAAGCATTGGAGGAATATCGTAGGTAAAA[A>G]TGCCTATTGGATCCAAAGAGAGGCCAACATTTTTTGAAATTTTTAAGACACGCTGCAACA-3'
Protein context (NP_000050.3, residues 1-11): [Met1Val]PIGSKERPTF

ClinVar aggregate classification (germline): Pathogenic (1 of 4 stars; one submission).

Conditions:
Hereditary breast ovarian cancer syndrome. Also called: Hereditary breast and/or ovarian cancer syndrome; Breast and ovarian cancer; BRCA1- and BRCA2-Associated Hereditary Breast and Ovarian Cancer; Hereditary breast and ovarian cancer syndrome; Hereditary breast and ovarian cancer syndrome (HBOC); Hereditary breast and ovarian cancer. Identifiers: Orphanet 145, MedGen C0677776, MeSH D061325, MONDO:0003582. Disease mechanism: loss of function.

Submission:

Labcorp Genetics (formerly Invitae), Labcorp
Classification: Pathogenic for Hereditary breast ovarian cancer syndrome. Last evaluated: 2019-04-28. Review status: criteria provided, single submitter. Criteria: Invitae Variant Classification Sherloc (09022015). Collection method: clinical testing. Allele origin: germline.
Comment: This sequence change affects the initiator methionine of the BRCA2 mRNA. The next in-frame methionine is located at codon 124. This variant is not present in population databases (ExAC no frequency). This variant has not been reported in the literature in individuals with BRCA2-related conditions. ClinVar contains an entry for this variant (Variation ID: 216026). Different variants (c.2T>A, c.2T>C, c.3G>A) affecting the same codon observed here (initiator codon) have been determined to be pathogenic (PMID: 25330149, 14647210, 21769658, 18182601, 24156927, Invitae). This suggests that this variant is also likely to be causative of disease. For these reasons, this variant has been classified as Pathogenic. While this variant is expected to result in an absent protein product, possible rescue of translational initiation by the downstream methionine would lead to the disruption of the N-terminal part of the BRCA2 protein that interacts with PALB2 (residues 18-40), which is critical for BRCA2-mediated homologous recombinational DNA repair (PMID: 16793542, 22678057, 19369211).

Literature cited by the submitters: PubMed 25330149; PubMed 14647210; PubMed 21769658; PubMed 18182601; PubMed 24156927; PubMed 16793542; PubMed 22678057; PubMed 19369211.